The following is an entry in ClinVar:

ClinVar aggregate classification (germline): Uncertain significance (1 of 4 stars; one submission).

Submission:

Women's Health and Genetics/Laboratory Corporation of America, LabCorp
Classification: Uncertain significance. Last evaluated: 2024-05-31. Review status: criteria provided, single submitter. Criteria: LabCorp Variant Classification Summary - May 2015. Collection method: clinical testing. Allele origin: germline.
Comment: Variant summary: CFTR c.2955C>G (p.Asp985Glu) results in a conservative amino acid change located in the ABC transporter type 1, transmembrane domain (IPR011527) of the encoded protein sequence. Three of five in-silico tools predict a benign effect of the variant on protein function. The variant was absent in 251184 control chromosomes. The available data on variant occurrences in the general population are insufficient to allow any conclusion about variant significance. c.2955C>G has been reported in the literature in at least one individual with unknown zygosity identified by newborn screening with Cystic Fibrosis (Bozdogan_2021). These report(s) do not provide unequivocal conclusions about association of the variant with Cystic Fibrosis. To our knowledge, no experimental evidence demonstrating an impact on protein function has been reported. The following publication has been ascertained in the context of this evaluation (PMID: 33572515). No submitters have cited clinical-significance assessments for this variant to ClinVar. Based on the evidence outlined above, the variant was classified as uncertain significance.

Literature cited by the submitters: PubMed 33572515.

NM_000492.4(CFTR):c.2955C>G (p.Asp985Glu)

Genes: CFTR (CF transmembrane conductance regulator; plus strand), CFTR-AS2 (CFTR antisense RNA 2; minus strand). Cytogenetic location: 7q31.2.
Variant type: single nucleotide variant.
Coding change: c.2955C>G on transcript NM_000492.4 (MANE Select); coding-DNA position 2955, C replaced by G.
Protein change: p.Asp985Glu; replaces aspartic acid 985 with glutamic acid.
Molecular consequence: missense variant.
Genome position (GRCh38, 1-based): chr7:117,606,720, C>G. VCF-style: chr7-117606720-C-G. GRCh37 (hg19) VCF-style: chr7-117246774-C-G.
Other names: short protein forms D985E.
Identifiers: ClinVar variation 3336390 (VCV003336390.1).